The following is an entry in ClinVar:

NM_001036.6(RYR3):c.1840G>A (p.Ala614Thr)

Gene: RYR3 (ryanodine receptor 3; plus strand). Cytogenetic location: 15q14.
Variant type: single nucleotide variant.
Coding change: c.1840G>A on transcript NM_001036.6 (MANE Select); coding-DNA position 1840, G replaced by A.
Protein change: p.Ala614Thr; replaces alanine 614 with threonine.
Molecular consequence: missense variant.
Genome position (GRCh38, 1-based): chr15:33,601,470, G>A. VCF-style: chr15-33601470-G-A. GRCh37 (hg19) VCF-style: chr15-33893671-G-A.
Other names: c.1840G>A, p.Ala614Thr (NM_001243996.4); short protein forms A614T.
Identifiers: ClinVar variation 775016 (VCV000775016.11), dbSNP rs199726068, ClinGen allele CA7458259.

ClinVar aggregate classification (germline): Conflicting classifications of pathogenicity. Review status: criteria provided, conflicting classifications (1 of 4 stars). 2 submissions from 2 submitters: Uncertain significance (1); Benign (1). Last evaluated 2024-10-10.

Conditions:
Epileptic encephalopathy. Identifiers: MedGen C0543888, HP:0200134.

Allele frequency attached by ClinVar (database versions not stated): gnomAD exomes 0.00019 and 0.00044; gnomAD 0.00030; ExAC 0.00043; TOPMed 0.00033; ESP Exome Variant Server 0.00040.
gnomAD v4.1: 350 of 1,613,448 alleles (0.022%); highest among the groups gnomAD compares: Middle Eastern, 0.016%; no homozygotes.

Submissions (2):

Women's Health and Genetics/Laboratory Corporation of America, LabCorp
Classification: Uncertain significance. Last evaluated: 2024-10-10. Review status: criteria provided, single submitter. Criteria: LabCorp Variant Classification Summary - May 2015. Collection method: clinical testing. Allele origin: germline.
Comment: Variant summary: RYR3 c.1840G>A (p.Ala614Thr) results in a non-conservative amino acid change located in the RIH domain (IPR000699) of the encoded protein sequence. Three of five in-silico tools predict a benign effect of the variant on protein function. The variant allele was found at a frequency of 0.00044 in 248310 control chromosomes. This frequency is not significantly higher than estimated for a pathogenic variant in RYR3 causing Congenital Myopathy 20, allowing no conclusion about variant significance. To our knowledge, no occurrence of c.1840G>A in individuals affected with Congenital Myopathy 20 and no experimental evidence demonstrating its impact on protein function have been reported. ClinVar contains an entry for this variant (Variation ID: 775016). Based on the evidence outlined above, the variant was classified as uncertain significance.

Labcorp Genetics (formerly Invitae), Labcorp
Classification: Benign for Epileptic encephalopathy. Last evaluated: 2022-11-01. Review status: criteria provided, single submitter. Criteria: Invitae Variant Classification Sherloc (09022015). Collection method: clinical testing. Allele origin: germline.